The following is an entry in ClinVar:

NM_001148.6(ANK2):c.958G>C (p.Glu320Gln)

Gene: ANK2 (ankyrin 2; plus strand). Cytogenetic location: 4q26.
Variant type: single nucleotide variant.
Coding change: c.958G>C on transcript NM_001148.6 (MANE Select); coding-DNA position 958, G replaced by C.
Protein change: p.Glu320Gln; replaces glutamic acid 320 with glutamine.
Molecular consequence: missense variant.
Genome position (GRCh38, 1-based): chr4:113,249,830, G>C. VCF-style: chr4-113249830-G-C. GRCh37 (hg19) VCF-style: chr4-114170986-G-C.
Other names: c.895G>C, p.Glu299Gln (NM_001127493.3, NM_001354239.2, NM_001354243.2 and 14 more transcripts); c.958G>C, p.Glu320Gln (NM_001354225.2, NM_001354228.2, NM_001354232.2 and 9 more transcripts); c.1003G>C, p.Glu335Gln (NM_001354230.2, NM_001354231.2, NM_001354237.2 and 5 more transcripts); c.871G>C, p.Glu291Gln (NM_001354249.2, NM_001354260.2, NM_001354264.2 and 16 more transcripts); c.916G>C, p.Glu306Gln (NM_001354261.2, NM_001386147.1, NM_001386160.1); c.946G>C, p.Glu316Gln (NM_001354269.3, NM_001386148.2, NM_001386186.2); c.1009G>C, p.Glu337Gln (NM_001386174.1); c.985G>C, p.Glu329Gln (NM_001386175.1); and 1 more; short protein forms E306Q, E316Q, E320Q, E291Q, E335Q, E337Q, E299Q, E308Q.
Identifiers: ClinVar variation 5001615 (VCV005001615.1).

ClinVar aggregate classification (germline): Uncertain significance (1 of 4 stars; one submission).

Conditions:
ANK2-related disorder. Also called: ANK2-related condition.

gnomAD v4.1: 1 of 1,614,148 alleles (0.000062%); no homozygotes.

Submission:

PreventionGenetics, part of Exact Sciences
Classification: Uncertain significance for ANK2-related condition. Last evaluated: 2026-09-15. Review status: criteria provided, single submitter. Criteria: ACMG Guidelines, 2015. Collection method: clinical testing. Allele origin: germline.
Comment: The ANK2 c.958G>C variant is predicted to result in the amino acid substitution p.Glu320Gln. To our knowledge, this variant has not been reported in the literature or in a large population database (gnomAD), indicating this variant is rare. At this time, the clinical significance of this variant is uncertain due to the absence of conclusive functional and genetic evidence.